The following is an entry in ClinVar:

ClinVar aggregate classification (germline): Likely pathogenic (1 of 4 stars; one submission).

Conditions:
Early-infantile DEE. Also called: Ohtahara syndrome; Early infantile epileptic encephalopathy with suppression bursts; Early infantile epileptic encephalopathy. Identifiers: Orphanet 1934, MedGen C0393706, MONDO:0800491.

Submission:

Labcorp Genetics (formerly Invitae), Labcorp
Classification: Likely pathogenic for Early-infantile DEE. Last evaluated: 2022-11-29. Review status: criteria provided, single submitter. Criteria: Invitae Variant Classification Sherloc (09022015). Collection method: clinical testing. Allele origin: germline.
Comment: In summary, the currently available evidence indicates that the variant is pathogenic, but additional data are needed to prove that conclusively. Therefore, this variant has been classified as Likely Pathogenic. Advanced modeling of protein sequence and biophysical properties (such as structural, functional, and spatial information, amino acid conservation, physicochemical variation, residue mobility, and thermodynamic stability) performed at Invitae indicates that this missense variant is expected to disrupt SCN1A protein function. ClinVar contains an entry for this variant (Variation ID: 851350). This missense change has been observed in individual(s) with Dravet syndrome (PMID: 18076640). This variant is not present in population databases (gnomAD no frequency). This sequence change replaces leucine, which is neutral and non-polar, with phenylalanine, which is neutral and non-polar, at codon 990 of the SCN1A protein (p.Leu990Phe).

Literature cited by the submitters: PubMed 18076640.

NM_001165963.4(SCN1A):c.2970G>C (p.Leu990Phe)

Gene: SCN1A (sodium voltage-gated channel alpha subunit 1; minus strand). Cytogenetic location: 2q24.3.
Variant type: single nucleotide variant.
Coding change: c.2970G>C on transcript NM_001165963.4 (MANE Select); coding-DNA position 2970, G replaced by C.
Protein change: p.Leu990Phe; replaces leucine 990 with phenylalanine.
Molecular consequence: missense variant. On other transcripts: non-coding transcript variant (1).
Genome position (GRCh38, 1-based): chr2:166,036,507, C>G on the plus strand (G>C on the coding strand, the complement: SCN1A is on the minus strand). VCF-style: chr2-166036507-C-G. GRCh37 (hg19) VCF-style: chr2-166893017-C-G.
Other names: c.2886G>C, p.Leu962Phe (NM_001165964.3, NM_001353957.2, NM_001353958.2); c.2970G>C, p.Leu990Phe (NM_001202435.3, NM_001353948.2); c.2937G>C, p.Leu979Phe (NM_001353949.2, NM_001353950.2, NM_001353951.2 and 2 more transcripts); c.2934G>C, p.Leu978Phe (NM_001353954.2, NM_001353955.2); c.2883G>C, p.Leu961Phe (NM_001353960.2); c.528G>C, p.Leu176Phe (NM_001353961.2); short protein forms L961F, L176F, L962F, L978F, L990F, L979F.
Identifiers: ClinVar variation 851350 (VCV000851350.10), dbSNP rs897883046, ClinGen allele CA349060584.
Genomic context (GRCh38, chr2:166,036,507, plus strand): 5'-ATTCATTTCATTATCATCATCAGTGGCTGCAAGGTTGTCTGCACTAAATGAGCTCAGAAG[C>G]AAGGCCAGAAAGAGATTCAGGACCTTAAAAACAACAAAAACATGATTATAATTTTACACC-3'
Protein context (NP_001159435.1, residues 980-1000): NLVVLNLFLA[Leu990Phe]LLSSFSADNL